The following is an entry in ClinVar:

NM_007059.4(KPTN):c.447G>A (p.Ala149=)

Gene: KPTN (kaptin, actin binding protein; minus strand). Cytogenetic location: 19q13.32.
Variant type: single nucleotide variant.
Coding change: c.447G>A on transcript NM_007059.4 (MANE Select); coding-DNA position 447, G replaced by A.
Protein change: p.Ala149=; no amino-acid change (alanine 149 retained).
Molecular consequence: synonymous variant. On other transcripts: non-coding transcript variant (1).
Genome position (GRCh38, 1-based): chr19:47,483,163, C>T on the plus strand (G>A on the coding strand, the complement: KPTN is on the minus strand). VCF-style: chr19-47483163-C-T. GRCh37 (hg19) VCF-style: chr19-47986420-C-T.
Other names: c.279G>A, p.Ala93= (NM_001291296.2).
Identifiers: ClinVar variation 789496 (VCV000789496.11), dbSNP rs138039511, ClinGen allele CA9540451.

ClinVar aggregate classification (germline): Likely benign. Review status: criteria provided, single submitter (1 of 4 stars). 2 submissions from 2 submitters: Likely benign (1). 1 of the submissions does not count toward it. Last evaluated 2025-10-08.

Conditions:
Macrocephaly-developmental delay syndrome (MRT41). Also called: INTELLECTUAL DEVELOPMENTAL DISORDER, AUTOSOMAL RECESSIVE 41. Identifiers: Orphanet 397612, MedGen C3810225, MONDO:0014289, OMIM 615637.
KPTN-related disorder. Also called: KPTN-related condition. Identifiers: MedGen CN381532.

Allele frequency attached by ClinVar (database versions not stated): gnomAD exomes 0.00005 and 0.00020; gnomAD 0.00008 and 0.00009; ExAC 0.00012; TOPMed 0.00013; 1000 Genomes Project 30x 0.00031; 1000 Genomes Project 0.00040.
gnomAD v4.1: 85 of 1,613,890 alleles (0.0053%); highest among the groups gnomAD compares: Admixed American, 0.088%; no homozygotes.

Submissions (2):

Labcorp Genetics (formerly Invitae), Labcorp
Classification: Likely benign for Macrocephaly-developmental delay syndrome. Last evaluated: 2025-10-08. Review status: criteria provided, single submitter. Criteria: Invitae Variant Classification Sherloc (09022015). Collection method: clinical testing. Allele origin: germline.

PreventionGenetics, part of Exact Sciences
Classification: Likely benign for KPTN-related condition. Last evaluated: 2020-09-23. Review status: no assertion criteria provided. Collection method: clinical testing. Allele origin: germline. Not counted in ClinVar's aggregate classification.
Comment: This variant is classified as likely benign based on ACMG/AMP sequence variant interpretation guidelines (Richards et al. 2015 PMID: 25741868, with internal and published modifications).